The following is an entry in ClinVar:

NM_001243133.2(NLRP3):c.2150+59G>A

Gene: NLRP3 (NLR family pyrin domain containing 3; plus strand). Cytogenetic location: 1q44.
Variant type: single nucleotide variant.
Coding change: c.2150+59G>A on transcript NM_001243133.2 (MANE Select); 59 bases into the intron after coding-DNA position 2150, G replaced by A.
Molecular consequence: intron variant.
Genome position (GRCh38, 1-based): chr1:247,425,658, G>A. VCF-style: chr1-247425658-G-A. GRCh37 (hg19) VCF-style: chr1-247588960-G-A.
Other names: c.2156+59G>A (NM_004895.5); c.2150+59G>A (NM_001127461.3, NM_001127462.3, NM_183395.3 and 1 more transcripts).
Identifiers: ClinVar variation 1260735 (VCV001260735.5), dbSNP rs3738447, ClinGen allele CA40692755.
Genomic context (GRCh38, chr1:247,425,658, plus strand): 5'-GGGTAAGGAAACTCGGCTTCCAGGTGCTTCCTCCTGCTTCCTCGCCAGCTTCTTCTTGGC[G>A]CTTGCCTCCTCTCATCTCTTTTCAACTATCTTCCAAATACTGTTGCCACAGCTACATCAT-3'

ClinVar aggregate classification (germline): Benign. Review status: criteria provided, multiple submitters, no conflicts (2 of 4 stars). 3 submissions from 3 submitters: Benign (3). Last evaluated 2024-01-24.

Allele frequency attached by ClinVar (database versions not stated): gnomAD exomes 0.07059; gnomAD 0.12252 and 0.12565; TOPMed 0.12932; 1000 Genomes Project 0.13059; 1000 Genomes Project 30x 0.13320.
gnomAD v4.1: 115,019 of 1,509,452 alleles (7.6%); highest among the groups gnomAD compares: African/African-American, 25%; 5,911 homozygotes.

Submissions (3):

Unidad de Genómica Garrahan, Hospital de Pediatría Garrahan
Classification: Benign. Last evaluated: 2024-01-24. Review status: criteria provided, single submitter. Criteria: ACMG Guidelines, 2015. Collection method: clinical testing. Allele origin: germline. Affected: no. Observed: 18 variant alleles.
Comment: This variant is classified as Benign based on local population frequency. This variant was detected in 20% of patients studied by a panel of primary immunodeficiencies. Number of patients: 18. Only high quality variants are reported.

GeneDx
Classification: Benign. Last evaluated: 2015-03-03. Review status: criteria provided, single submitter. Criteria: GeneDx Variant Classification Process June 2021. Collection method: clinical testing. Allele origin: germline. Affected: yes.

Breakthrough Genomics
Classification: Benign. Review status: criteria provided, single submitter. Criteria: ACMG Guidelines, 2015. Collection method: not provided. Allele origin: germline. Inheritance: Autosomal dominant inheritance. Affected: yes.